The following is an entry in ClinVar:

ClinVar aggregate classification (germline): Uncertain significance. Review status: criteria provided, multiple submitters, no conflicts (2 of 4 stars). 2 submissions from 2 submitters: Uncertain significance (2). Last evaluated 2026-04-04.

Conditions:
Hereditary cancer-predisposing syndrome. Also called: Neoplastic Syndromes, Hereditary; Tumor predisposition; Hereditary Cancer Syndrome; Hereditary neoplastic syndrome. Identifiers: Orphanet 140162, MedGen C0027672, MeSH D009386, MONDO:0015356.

Submissions (2):

Ambry Genetics
Classification: Uncertain significance for Hereditary cancer-predisposing syndrome. Last evaluated: 2026-04-04. Review status: criteria provided, single submitter. Criteria: Ambry Variant Classification Scheme 2023. Collection method: clinical testing. Allele origin: germline.
Comment: The p.E1031Q variant (also known as c.3091G>C), located in coding exon 26 of the POLE gene, results from a G to C substitution at nucleotide position 3091. The glutamic acid at codon 1031 is replaced by glutamine, an amino acid with highly similar properties. This amino acid position is conserved. In addition, the in silico prediction for this alteration is inconclusive. Based on the available evidence, the clinical significance of this variant remains unclear.

Labcorp Genetics (formerly Invitae), Labcorp
Classification: Uncertain significance. Last evaluated: 2025-07-21. Review status: criteria provided, single submitter. Criteria: Invitae Variant Classification Sherloc (09022015). Collection method: clinical testing. Allele origin: germline.
Comment: This sequence change replaces glutamic acid, which is acidic and polar, with glutamine, which is neutral and polar, at codon 1031 of the POLE protein (p.Glu1031Gln). This variant is not present in population databases (gnomAD no frequency). This variant has not been reported in the literature in individuals affected with POLE-related conditions. ClinVar contains an entry for this variant (Variation ID: 1368382). Invitae Evidence Modeling of protein sequence and biophysical properties (such as structural, functional, and spatial information, amino acid conservation, physicochemical variation, residue mobility, and thermodynamic stability) indicates that this missense variant is not expected to disrupt POLE protein function with a negative predictive value of 80%. In summary, the available evidence is currently insufficient to determine the role of this variant in disease. Therefore, it has been classified as a Variant of Uncertain Significance.

NM_006231.4(POLE):c.3091G>C (p.Glu1031Gln)

Gene: POLE (DNA polymerase epsilon, catalytic subunit; minus strand). Cytogenetic location: 12q24.33.
Variant type: single nucleotide variant.
Coding change: c.3091G>C on transcript NM_006231.4 (MANE Select); coding-DNA position 3091, G replaced by C.
Protein change: p.Glu1031Gln; replaces glutamic acid 1031 with glutamine.
Molecular consequence: missense variant.
Genome position (GRCh38, 1-based): chr12:132,659,479, C>G on the plus strand (G>C on the coding strand, the complement: POLE is on the minus strand). VCF-style: chr12-132659479-C-G. GRCh37 (hg19) VCF-style: chr12-133236065-C-G.
Other names: c.3091G>C (NM_006231.2); short protein forms E1031Q.
Identifiers: ClinVar variation 1368382 (VCV001368382.9), dbSNP rs761261349, ClinGen allele CA387391756.